The following is an entry in ClinVar:

NM_003597.5(KLF11):c.314G>T (p.Cys105Phe)

Gene: KLF11 (KLF transcription factor 11; plus strand). Cytogenetic location: 2p25.1.
Variant type: single nucleotide variant.
Coding change: c.314G>T on transcript NM_003597.5 (MANE Select); coding-DNA position 314, G replaced by T.
Protein change: p.Cys105Phe; replaces cysteine 105 with phenylalanine.
Molecular consequence: missense variant.
Genome position (GRCh38, 1-based): chr2:10,047,651, G>T. VCF-style: chr2-10047651-G-T. GRCh37 (hg19) VCF-style: chr2-10187778-G-T.
Other names: c.263G>T, p.Cys88Phe (NM_001177716.2, NM_001177718.2); short protein forms C88F, C105F.
Identifiers: ClinVar variation 1399585 (VCV001399585.8), dbSNP rs1307855641, ClinGen allele CA345800825.

ClinVar aggregate classification (germline): Uncertain significance (1 of 4 stars; one submission).

Submission:

Labcorp Genetics (formerly Invitae), Labcorp
Classification: Uncertain significance. Last evaluated: 2021-06-06. Review status: criteria provided, single submitter. Criteria: Invitae Variant Classification Sherloc (09022015). Collection method: clinical testing. Allele origin: germline.
Comment: This sequence change replaces cysteine with phenylalanine at codon 105 of the KLF11 protein (p.Cys105Phe). The cysteine residue is highly conserved and there is a large physicochemical difference between cysteine and phenylalanine. This variant is not present in population databases (ExAC no frequency). This variant has not been reported in the literature in individuals with KLF11-related conditions. Algorithms developed to predict the effect of missense changes on protein structure and function are either unavailable or do not agree on the potential impact of this missense change (SIFT: "Deleterious"; PolyPhen-2: "Probably Damaging"; Align-GVGD: "Class C0"). In summary, the available evidence is currently insufficient to determine the role of this variant in disease. Therefore, it has been classified as a Variant of Uncertain Significance.